The following is an entry in ClinVar:

ClinVar aggregate classification (germline): Uncertain significance (1 of 4 stars; one submission).

Conditions:
Nephronophthisis. Also called: Juvenile Nephronophthisis. Identifiers: Orphanet 655, MedGen C0687120, MONDO:0019005, HP:0000090.
Jeune thoracic dystrophy. Also called: Jeune syndrome; Infantile thoracic dystrophy; Thoracic pelvic phalangeal dystrophy; Jeune's syndrome; Chondroectodermal dysplasia-like syndrome; Short-rib thoracic dysplasia. Identifiers: Orphanet 474, MedGen C0265275, MONDO:0018770.

gnomAD v4.1: 4 of 1,613,704 alleles (0.00025%); highest among the groups gnomAD compares: South Asian, 0.0011%; no homozygotes.

Submission:

Labcorp Genetics (formerly Invitae), Labcorp
Classification: Uncertain significance for Jeune thoracic dystrophy; Nephronophthisis. Last evaluated: 2024-04-16. Review status: criteria provided, single submitter. Criteria: Invitae Variant Classification Sherloc (09022015). Collection method: clinical testing. Allele origin: germline.
Comment: This sequence change replaces serine, which is neutral and polar, with phenylalanine, which is neutral and non-polar, at codon 73 of the TTC21B protein (p.Ser73Phe). This variant is present in population databases (rs757048165, gnomAD 0.002%). This variant has not been reported in the literature in individuals affected with TTC21B-related conditions. Advanced modeling of protein sequence and biophysical properties (such as structural, functional, and spatial information, amino acid conservation, physicochemical variation, residue mobility, and thermodynamic stability) performed at Invitae indicates that this missense variant is not expected to disrupt TTC21B protein function with a negative predictive value of 80%. In summary, the available evidence is currently insufficient to determine the role of this variant in disease. Therefore, it has been classified as a Variant of Uncertain Significance.

NM_024753.5(TTC21B):c.218C>T (p.Ser73Phe)

Gene: TTC21B (tetratricopeptide repeat domain 21B; minus strand). Cytogenetic location: 2q24.3.
Variant type: single nucleotide variant.
Coding change: c.218C>T on transcript NM_024753.5 (MANE Select); coding-DNA position 218, C replaced by T.
Protein change: p.Ser73Phe; replaces serine 73 with phenylalanine.
Molecular consequence: missense variant.
Genome position (GRCh38, 1-based): chr2:165,949,438, G>A on the plus strand (C>T on the coding strand, the complement: TTC21B is on the minus strand). VCF-style: chr2-165949438-G-A. GRCh37 (hg19) VCF-style: chr2-166805948-G-A.
Other names: short protein forms S73F.
Identifiers: ClinVar variation 3753219 (VCV003753219.2).